The following is an entry in ClinVar:

ClinVar aggregate classification (germline): Conflicting classifications of pathogenicity. Review status: criteria provided, conflicting classifications (1 of 4 stars). 5 submissions from 5 submitters: Uncertain significance (4); Likely benign (1). Last evaluated 2025-09-26.

Conditions:
Hirschsprung disease, susceptibility to, 4. Identifiers: Orphanet 388, MedGen C3150975, MONDO:0013384, OMIM 613712.
Waardenburg syndrome type 4B (WS4B). Also called: WAARDENBURG SYNDROME, TYPE 4B, WITH HIRSCHSPRUNG DISEASE. Identifiers: Orphanet 897, MedGen C2750457, MONDO:0013201, OMIM 613265.
EDN3-related disorder. Also called: EDN3-related condition.
Abnormal rectum morphology. Identifiers: MedGen C5399764, HP:0002034.
Megacolon. Identifiers: MedGen C0025160, MONDO:0001273, HP:6000852.

Submissions (5):

Labcorp Genetics (formerly Invitae), Labcorp
Classification: Uncertain significance. Last evaluated: 2025-09-26. Review status: criteria provided, single submitter. Criteria: Invitae Variant Classification Sherloc (09022015). Collection method: clinical testing. Allele origin: germline.
Comment: This variant, c.167_190dup, results in the insertion of 8 amino acid(s) of the EDN3 protein (p.Glu56_Glu63dup), but otherwise preserves the integrity of the reading frame. This variant is present in population databases (rs755031787, gnomAD 0.2%). This variant has not been reported in the literature in individuals affected with EDN3-related conditions. ClinVar contains an entry for this variant (Variation ID: 523332). Experimental studies and prediction algorithms are not available or were not evaluated, and the functional significance of this variant is currently unknown. In summary, the available evidence is currently insufficient to determine the role of this variant in disease. Therefore, it has been classified as a Variant of Uncertain Significance.

PreventionGenetics, part of Exact Sciences
Classification: Likely benign for EDN3-related condition. Last evaluated: 2024-10-07. Review status: criteria provided, single submitter. Criteria: ACMG Guidelines, 2015. Collection method: clinical testing. Allele origin: germline.
Comment: This variant is classified as likely benign based on ACMG/AMP sequence variant interpretation guidelines (Richards et al. 2015 PMID: 25741868, with internal and published modifications).

Department of Pathology and Laboratory Medicine, Sinai Health System
Classification: Uncertain significance for Waardenburg syndrome type 4B; Hirschsprung disease, susceptibility to, 4. Last evaluated: 2023-10-02. Review status: criteria provided, single submitter. Criteria: ACMG Guidelines, 2015. Collection method: research. Allele origin: germline.

GeneDx
Classification: Uncertain significance. Last evaluated: 2020-12-08. Review status: criteria provided, single submitter. Criteria: GeneDx Variant Classification Process June 2021. Collection method: clinical testing. Allele origin: germline. Affected: yes.
Comment: In-frame duplication of 8 amino acids in a propeptide molecular processing region; Has not been previously published as pathogenic or benign to our knowledge

Centre for Mendelian Genomics, University Medical Centre Ljubljana
Classification: Uncertain significance for Abnormal rectum morphology; Aganglionic megacolon. Last evaluated: 2017-01-01. Review status: criteria provided, single submitter. Criteria: ACMG Guidelines, 2015. Collection method: clinical testing. Allele origin: unknown. Affected: yes.

NM_207034.3(EDN3):c.143AGACTGTGGCTGGCCCTGGCGAGG[3] (p.48ETVAGPGE[3])

Gene: EDN3 (endothelin 3; plus strand). Cytogenetic location: 20q13.32.
Variant type: Microsatellite.
Coding change: c.143AGACTGTGGCTGGCCCTGGCGAGG[3] on transcript NM_207034.3 (MANE Select); three copies in a row of the 24-base unit AGACTGTGGCTGGCCCTGGCGAGG starting at c.143; the reference has two copies in a row; one copy, 24 bases duplicated.
Protein change: p.48ETVAGPGE[3].
Molecular consequence: inframe insertion.
Genome position (GRCh38, 1-based): chr20:59,301,524-59,301,547, AGACTGTGGCTGGCCCTGGCGAGG duplicated; duplicating any 24 consecutive bases within chr20:59,301,499-59,301,547 gives the same sequence; the position shown is the placement nearest the transcript's 3' end. VCF-style (leftmost placement, unchanged base first): chr20-59301498-A-AGAGACTGTGGCTGGCCCTGGCGAG. GRCh37 (hg19) VCF-style: chr20-57876553-A-AGAGACTGTGGCTGGCCCTGGCGAG.
Other names: c.167_190dup24 (NM_207034.2); c.143AGACTGTGGCTGGCCCTGGCGAGG[3], p.48ETVAGPGE[3] (NM_001302455.2, NM_001302456.2, NM_207032.3 and 1 more transcripts).
Identifiers: ClinVar variation 523332 (VCV000523332.12), dbSNP rs749390209, ClinGen allele CA9930281.